The following is an entry in ClinVar:

NM_003331.5(TYK2):c.3486C>A (p.Phe1162Leu)

Gene: TYK2 (tyrosine kinase 2; minus strand). Cytogenetic location: 19p13.2.
Variant type: single nucleotide variant.
Coding change: c.3486C>A on transcript NM_003331.5 (MANE Select); coding-DNA position 3486, C replaced by A.
Protein change: p.Phe1162Leu; replaces phenylalanine 1162 with leucine.
Molecular consequence: missense variant.
Genome position (GRCh38, 1-based): chr19:10,350,912, G>T on the plus strand (C>A on the coding strand, the complement: TYK2 is on the minus strand). VCF-style: chr19-10350912-G-T. GRCh37 (hg19) VCF-style: chr19-10461588-G-T.
Other names: c.3375C>A, p.Phe1125Leu (NM_001385197.1); c.3336C>A, p.Phe1112Leu (NM_001385198.1); c.3300C>A, p.Phe1100Leu (NM_001385199.1); c.3483C>A, p.Phe1161Leu (NM_001385200.1); c.3288C>A, p.Phe1096Leu (NM_001385201.1); c.3402C>A, p.Phe1134Leu (NM_001385202.1); c.3567C>A, p.Phe1189Leu (NM_001385203.1); c.3696C>A, p.Phe1232Leu (NM_001385204.1); and 4 more; short protein forms F1096L, F1162L, F1232L, F1100L, F1125L, F1156L, F1132L, F1161L.
Identifiers: ClinVar variation 3657293 (VCV003657293.2).

ClinVar aggregate classification (germline): Uncertain significance (1 of 4 stars; one submission).

Conditions:
Immunodeficiency 35 (IMD35). Also called: TYK2 DEFICIENCY; HIES WITH ATYPICAL MYCOBACTERIOSIS, AUTOSOMAL RECESSIVE; HYPER-IgE SYNDROME WITH ATYPICAL MYCOBACTERIOSIS, AUTOSOMAL RECESSIVE; Susceptibility to infection due to TYK2 deficiency. Identifiers: Orphanet 331226, MedGen C1969086, MONDO:0012682, OMIM 611521.

Submission:

Labcorp Genetics (formerly Invitae), Labcorp
Classification: Uncertain significance for Immunodeficiency 35. Last evaluated: 2024-06-21. Review status: criteria provided, single submitter. Criteria: Invitae Variant Classification Sherloc (09022015). Collection method: clinical testing. Allele origin: germline.
Comment: This sequence change replaces phenylalanine, which is neutral and non-polar, with leucine, which is neutral and non-polar, at codon 1162 of the TYK2 protein (p.Phe1162Leu). This variant is not present in population databases (gnomAD no frequency). This variant has not been reported in the literature in individuals affected with TYK2-related conditions. Advanced modeling of protein sequence and biophysical properties (such as structural, functional, and spatial information, amino acid conservation, physicochemical variation, residue mobility, and thermodynamic stability) performed at Invitae indicates that this missense variant is expected to disrupt TYK2 protein function with a positive predictive value of 80%. In summary, the available evidence is currently insufficient to determine the role of this variant in disease. Therefore, it has been classified as a Variant of Uncertain Significance.